The following is an entry in ClinVar:

NM_022051.3(EGLN1):c.66G>C (p.Glu22Asp)

Gene: EGLN1 (egl-9 family hypoxia inducible factor 1; minus strand). Cytogenetic location: 1q42.2.
Variant type: single nucleotide variant.
Coding change: c.66G>C on transcript NM_022051.3 (MANE Select); coding-DNA position 66, G replaced by C.
Protein change: p.Glu22Asp; replaces glutamic acid 22 with aspartic acid.
Molecular consequence: missense variant.
Genome position (GRCh38, 1-based): chr1:231,421,823, C>G on the plus strand (G>C on the coding strand, the complement: EGLN1 is on the minus strand). VCF-style: chr1-231421823-C-G. GRCh37 (hg19) VCF-style: chr1-231557569-C-G.
Other names: c.66G>C, p.Glu22Asp (NM_001377260.1, NM_001377261.1); short protein forms E22D.
Identifiers: ClinVar variation 4016871 (VCV004016871.1).

ClinVar aggregate classification (germline): Uncertain significance (1 of 4 stars; one submission).

Submission:

Ambry Genetics
Classification: Uncertain significance. Last evaluated: 2025-05-18. Review status: criteria provided, single submitter. Criteria: Ambry Variant Classification Scheme 2023. Collection method: clinical testing. Allele origin: germline.
Comment: The p.E22D variant (also known as c.66G>C), located in coding exon 1 of the EGLN1 gene, results from a G to C substitution at nucleotide position 66. The glutamic acid at codon 22 is replaced by aspartic acid, an amino acid with highly similar properties. This amino acid position is conserved. In addition, this alteration is predicted to be tolerated by in silico analysis. Based on the available evidence, the clinical significance of this variant remains unclear.